The following is an entry in ClinVar:

ClinVar aggregate classification (germline): Benign/Likely benign. Review status: criteria provided, multiple submitters, no conflicts (2 of 4 stars). 11 submissions from 11 submitters: Benign (7); Likely benign (1). 3 of the submissions do not count toward it. Last evaluated 2026-04-14.

Conditions:
Progressive familial intrahepatic cholestasis type 2. Identifiers: Orphanet 79304, MedGen C3489789, MONDO:0011156, OMIM 601847.
Familial intrahepatic cholestasis. Identifiers: Orphanet 284385, MedGen CN296401, MONDO:0017290.

Allele frequency attached by ClinVar (database versions not stated): gnomAD exomes 0.01617 and 0.01765; ExAC 0.01711; 1000 Genomes Project 0.01917; 1000 Genomes Project 30x 0.02092; gnomAD 0.02350 and 0.02444; TOPMed 0.02392; ESP Exome Variant Server 0.02635.
gnomAD v4.1: 28,869 of 1,583,062 alleles (1.8%); highest among the groups gnomAD compares: African/African-American, 4.2%; 357 homozygotes.

Submissions (11):

Genomenon, Inc
Classification: Benign for Familial intrahepatic cholestasis. Last evaluated: 2026-04-14. Review status: criteria provided, single submitter. Criteria: Genomenon Sequence Variant Interpretation Standards - Updated. Collection method: curation. Allele origin: germline. Affected: no.
Comment: ABCB11 c.389+8G>A is an intronic variant located in intron 5. This intronic variant is not predicted to impact splicing. This variant is present at high allele frequency in population databases. In conclusion, we classify ABCB11 c.389+8G>A as a benign variant.

Labcorp Genetics (formerly Invitae), Labcorp
Classification: Benign. Last evaluated: 2026-02-04. Review status: criteria provided, single submitter. Criteria: Invitae Variant Classification Sherloc (09022015). Collection method: clinical testing. Allele origin: germline.

Blueprint Genetics
Classification: Likely benign. Last evaluated: 2024-11-26. Review status: criteria provided, single submitter. Criteria: ACMG Guidelines, 2015. Collection method: clinical testing. Allele origin: germline.

Mayo Clinic Laboratories, Mayo Clinic
Classification: Benign. Last evaluated: 2024-10-23. Review status: criteria provided, single submitter. Criteria: ACMG Guidelines, 2015. Collection method: clinical testing. Allele origin: germline. Observed: 26 variant alleles.

Illumina Laboratory Services, Illumina
Classification: Benign for Progressive familial intrahepatic cholestasis type 2. Last evaluated: 2018-01-13. Review status: criteria provided, single submitter. Criteria: ICSL Variant Classification Criteria 13 December 2019. Collection method: clinical testing. Allele origin: germline.
Comment: This variant was observed in the ICSL laboratory as part of a predisposition screen in an ostensibly healthy population. It had not been previously curated by ICSL or reported in the Human Gene Mutation Database (HGMD: prior to June 1st, 2018), and was therefore a candidate for classification through an automated scoring system. Utilizing variant allele frequency, disease prevalence and penetrance estimates, and inheritance mode, an automated score was calculated to assess if this variant is too frequent to cause the disease. Based on the score and internal cut-off values, a variant classified as benign is not then subjected to further curation. The score for this variant resulted in a classification of benign for this disease.

GeneDx
Classification: Benign. Last evaluated: 2016-02-09. Review status: criteria provided, single submitter. Criteria: GeneDx Variant Classification (06012015). Collection method: clinical testing. Allele origin: germline. Affected: yes.
Comment: This variant is considered likely benign or benign based on one or more of the following criteria: it is a conservative change, it occurs at a poorly conserved position in the protein, it is predicted to be benign by multiple in silico algorithms, and/or has population frequency not consistent with disease.

Breakthrough Genomics
Classification: Benign. Review status: criteria provided, single submitter. Criteria: ACMG Guidelines, 2015. Collection method: not provided. Allele origin: germline. Inheritance: Autosomal recessive inheritance. Affected: yes.

PreventionGenetics, part of Exact Sciences
Classification: Benign. Review status: criteria provided, single submitter. Criteria: ACMG Guidelines, 2015. Collection method: clinical testing. Allele origin: germline.

Natera, Inc.
Classification: Benign for Progressive familial intrahepatic cholestasis type 2. Last evaluated: 2020-09-16. Review status: no assertion criteria provided. Collection method: clinical testing. Allele origin: germline. Not counted in ClinVar's aggregate classification.

Genome Diagnostics Laboratory, Amsterdam University Medical Center
Classification: Benign. Review status: no assertion criteria provided. Collection method: clinical testing. Allele origin: germline. Affected: yes. Study: VKGL Data-share Consensus. Not counted in ClinVar's aggregate classification.

Genome Diagnostics Laboratory, University Medical Center Utrecht
Classification: Benign. Review status: no assertion criteria provided. Collection method: clinical testing. Allele origin: germline. Affected: yes. Study: VKGL Data-share Consensus. Not counted in ClinVar's aggregate classification.

NM_003742.4(ABCB11):c.389+8G>A

Gene: ABCB11 (ATP binding cassette subfamily B member 11; minus strand). Cytogenetic location: 2q31.1.
Variant type: single nucleotide variant.
Coding change: c.389+8G>A on transcript NM_003742.4 (MANE Select); 8 bases into the intron after coding-DNA position 389, G replaced by A.
Molecular consequence: intron variant.
Genome position (GRCh38, 1-based): chr2:169,013,264, C>T on the plus strand (G>A on the coding strand, the complement: ABCB11 is on the minus strand). VCF-style: chr2-169013264-C-T. GRCh37 (hg19) VCF-style: chr2-169869774-C-T.
Other names: p.?; c.389+8G>A (LRG_1199t1).
Identifiers: ClinVar variation 259154 (VCV000259154.21), dbSNP rs11568363, ClinGen allele CA1951909.